The following is an entry in ClinVar:

NM_002334.4(LRP4):c.591G>A (p.Gln197=)

Gene: LRP4 (LDL receptor related protein 4; minus strand). Cytogenetic location: 11p11.2.
Variant type: single nucleotide variant.
Coding change: c.591G>A on transcript NM_002334.4 (MANE Select); coding-DNA position 591, G replaced by A.
Protein change: p.Gln197=; no amino-acid change (glutamine 197 retained).
Molecular consequence: synonymous variant.
Genome position (GRCh38, 1-based): chr11:46,898,989, C>T on the plus strand (G>A on the coding strand, the complement: LRP4 is on the minus strand). VCF-style: chr11-46898989-C-T. GRCh37 (hg19) VCF-style: chr11-46920540-C-T.
Other names: c.591G>A (NM_002334.3).
Identifiers: ClinVar variation 1593999 (VCV001593999.10), dbSNP rs1199299804, ClinGen allele CA474206344.

ClinVar aggregate classification (germline): Likely benign. Review status: criteria provided, single submitter (1 of 4 stars). 2 submissions from 2 submitters: Likely benign (1). 1 of the submissions does not count toward it. Last evaluated 2025-06-12.

Conditions:
LRP4-related disorder. Also called: LRP4-related condition.
Cenani-Lenz syndactyly syndrome. Also called: SYNDACTYLY, TYPE VII; CENANI SYNDACTYLISM. Identifiers: Orphanet 3258, MedGen C1859309, MONDO:0008931, OMIM 212780.
Sclerosteosis 2 (SOST2). Identifiers: Orphanet 3152, MedGen C3280402, MONDO:0013679, OMIM 614305.
Congenital myasthenic syndrome 17. Identifiers: Orphanet 590, MedGen C4225377, MONDO:0014578, OMIM 616304.

Allele frequency attached by ClinVar (database versions not stated): gnomAD exomes below 0.00001; TOPMed 0.00001.
gnomAD v4.1: 6 of 1,613,768 alleles (0.00037%); highest among the groups gnomAD compares: Non-Finnish European, 0.00051%; no homozygotes.

Submissions (2):

Labcorp Genetics (formerly Invitae), Labcorp
Classification: Likely benign for Cenani-Lenz syndactyly syndrome; Sclerosteosis 2; Congenital myasthenic syndrome 17. Last evaluated: 2025-06-12. Review status: criteria provided, single submitter. Criteria: Invitae Variant Classification Sherloc (09022015). Collection method: clinical testing. Allele origin: germline.

PreventionGenetics, part of Exact Sciences
Classification: Likely benign for LRP4-related condition. Last evaluated: 2019-06-19. Review status: no assertion criteria provided. Collection method: clinical testing. Allele origin: germline. Not counted in ClinVar's aggregate classification.
Comment: This variant is classified as likely benign based on ACMG/AMP sequence variant interpretation guidelines (Richards et al. 2015 PMID: 25741868, with internal and published modifications).